The following is an entry in ClinVar:

ClinVar aggregate classification (germline): Likely pathogenic (1 of 4 stars; one submission).

Conditions:
Hereditary cancer-predisposing syndrome. Also called: Hereditary Cancer Syndrome; Hereditary neoplastic syndrome; Neoplastic Syndromes, Hereditary; Tumor predisposition. Identifiers: Orphanet 140162, MedGen C0027672, MeSH D009386, MONDO:0015356.

Submission:

Ambry Genetics
Classification: Likely pathogenic for Hereditary cancer-predisposing syndrome. Last evaluated: 2025-04-30. Review status: criteria provided, single submitter. Criteria: Ambry Variant Classification Scheme 2023. Collection method: clinical testing. Allele origin: germline.
Comment: The p.G216W variant (also known as c.646G>T), located in coding exon 8 of the MUTYH gene, results from a G to T substitution at nucleotide position 646. The glycine at codon 216 is replaced by tryptophan, an amino acid with highly dissimilar properties. Other variant(s) at the same codon, p.G216E (c.647G>A), have been identified in individual(s) with features consistent with MUTYH-associated polyposis (Dallosso AR et al. Gut 2008 Sep 57(9):1252-5; Vogt S et al. Gastroenterology. 2009 Dec;137(6):1976-85.e1-10; Nielsen M et al. Gastroenterology, 2009 Feb;136:471-6; Morak M et al. Clin Genet, 2010 Oct;78:353-63). This variant is considered to be rare based on population cohorts in the Genome Aggregation Database (gnomAD). This amino acid position is highly conserved in available vertebrate species. In addition, this alteration is predicted to be deleterious by in silico analysis. Based on the majority of available evidence to date, this variant is likely to be pathogenic.

NM_001048174.2(MUTYH):c.562G>T (p.Gly188Trp)

Gene: MUTYH (mutY DNA glycosylase; minus strand). Cytogenetic location: 1p34.1.
Variant type: single nucleotide variant.
Coding change: c.562G>T on transcript NM_001048174.2 (MANE Select); coding-DNA position 562, G replaced by T.
Protein change: p.Gly188Trp; replaces glycine 188 with tryptophan.
Molecular consequence: missense variant. On other transcripts: non-coding transcript variant (7).
Genome position (GRCh38, 1-based): chr1:45,332,618, C>A on the plus strand (G>T on the coding strand, the complement: MUTYH is on the minus strand). VCF-style: chr1-45332618-C-A. GRCh37 (hg19) VCF-style: chr1-45798290-C-A.
Other names: c.562G>T, p.Gly188Trp (NM_001048171.2, NM_001048173.2, NM_001293195.2 and 6 more transcripts); c.565G>T, p.Gly189Trp (NM_001048172.2, NM_001407071.1, NM_001407078.1 and 1 more transcripts); c.646G>T, p.Gly216Trp (NM_001128425.2); c.607G>T, p.Gly203Trp (NM_001293190.2); c.595G>T, p.Gly199Trp (NM_001293191.2, NM_001407069.1, NM_001407077.1); c.286G>T, p.Gly96Trp (NM_001293192.2, NM_001293196.2, NM_001407091.1); c.217G>T, p.Gly73Trp (NM_001350650.2, NM_001350651.2, NM_001407082.1); c.478G>T, p.Gly160Trp (NM_001407075.1); and 5 more; short protein forms G175W, G189W, G195W, G213W, G73W, G96W, G160W, G174W.
Identifiers: ClinVar variation 3914937 (VCV003914937.1).